The following is an entry in ClinVar:

NM_000264.5(PTCH1):c.2111G>A (p.Ser704Asn)

Genes: PTCH1 (patched 1; minus strand), LOC100507346 (uncharacterized LOC100507346; plus strand). Cytogenetic location: 9q22.32.
Variant type: single nucleotide variant.
Coding change: c.2111G>A on transcript NM_000264.5 (MANE Select); coding-DNA position 2111, G replaced by A.
Protein change: p.Ser704Asn; replaces serine 704 with asparagine.
Molecular consequence: missense variant. On other transcripts: non-coding transcript variant (2).
Genome position (GRCh38, 1-based): chr9:95,468,890, C>T on the plus strand (G>A on the coding strand, the complement: PTCH1 is on the minus strand). VCF-style: chr9-95468890-C-T. GRCh37 (hg19) VCF-style: chr9-98231172-C-T.
Other names: c.1913G>A, p.Ser638Asn (NM_001083602.3); c.2108G>A, p.Ser703Asn (NM_001083603.3); c.1658G>A, p.Ser553Asn (NM_001083604.3, NM_001083605.3, NM_001083606.3 and 1 more transcripts); c.1955G>A, p.Ser652Asn (NM_001354918.2); short protein forms S553N, S638N, S652N, S704N, S703N.
Identifiers: ClinVar variation 2118120 (VCV002118120.4), dbSNP rs2118036795, ClinGen allele CA374115633.

ClinVar aggregate classification (germline): Uncertain significance (1 of 4 stars; one submission).

Conditions:
Gorlin syndrome. Also called: Nevoid Basal Cell Carcinoma Syndrome; Basal cell nevus syndrome. Identifiers: Orphanet 377, MedGen C0004779, MONDO:0007187.

Allele frequency attached by ClinVar (database versions not stated): gnomAD exomes below 0.00001.
gnomAD v4.1: 1 of 1,614,124 alleles (0.000062%); highest among the groups gnomAD compares: South Asian, 0.0011%; no homozygotes.

Submission:

Labcorp Genetics (formerly Invitae), Labcorp
Classification: Uncertain significance for Gorlin syndrome. Last evaluated: 2022-03-27. Review status: criteria provided, single submitter. Criteria: Invitae Variant Classification Sherloc (09022015). Collection method: clinical testing. Allele origin: germline.
Comment: This variant has not been reported in the literature in individuals affected with PTCH1-related conditions. In summary, the available evidence is currently insufficient to determine the role of this variant in disease. Therefore, it has been classified as a Variant of Uncertain Significance. Advanced modeling of protein sequence and biophysical properties (such as structural, functional, and spatial information, amino acid conservation, physicochemical variation, residue mobility, and thermodynamic stability) performed at Invitae indicates that this missense variant is not expected to disrupt PTCH1 protein function. This variant is not present in population databases (gnomAD no frequency). This sequence change replaces serine, which is neutral and polar, with asparagine, which is neutral and polar, at codon 704 of the PTCH1 protein (p.Ser704Asn).